The following is an entry in ClinVar:

NM_000419.5(ITGA2B):c.666C>A (p.Phe222Leu)

Gene: ITGA2B (integrin subunit alpha 2b; minus strand). Cytogenetic location: 17q21.31.
Variant type: single nucleotide variant.
Coding change: c.666C>A on transcript NM_000419.5 (MANE Select); coding-DNA position 666, C replaced by A.
Protein change: p.Phe222Leu; replaces phenylalanine 222 with leucine.
Molecular consequence: missense variant.
Genome position (GRCh38, 1-based): chr17:44,385,168, G>T on the plus strand (C>A on the coding strand, the complement: ITGA2B is on the minus strand). VCF-style: chr17-44385168-G-T. GRCh37 (hg19) VCF-style: chr17-42462536-G-T.
Other names: NM_000419.5:c.666C>A; short protein forms F222L.
Identifiers: ClinVar variation 1879011 (VCV001879011.2), dbSNP rs2048633474, ClinGen allele CA399805465.

ClinVar aggregate classification (germline): Uncertain significance (3 of 4 stars; one submission).

Conditions:
Glanzmann thrombasthenia. Also called: PLATELET GLYCOPROTEIN IIb-IIIa DEFICIENCY; BLEEDING DISORDER, PLATELET-TYPE, 2; THROMBASTHENIA OF GLANZMANN AND NAEGELI; Thrombasthenia; Glanzmann's thrombasthenia. Identifiers: Orphanet 849, MedGen C0040015, MONDO:0100326.

Allele frequency attached by ClinVar (database versions not stated): TOPMed below 0.00001; gnomAD 0.00001.
gnomAD v4.1: 1 of 1,613,960 alleles (0.000062%); highest among the groups gnomAD compares: Non-Finnish European, 0.000085%; no homozygotes.

Submission:

ClinGen Platelet Disorders Variant Curation Expert Panel, ClinGen
Classification: Uncertain significance for Glanzmann thrombasthenia. Last evaluated: 2025-05-01. Review status: reviewed by expert panel. Criteria: ClinGen Platelet ACMG Specifications v2-1. Collection method: curation. Allele origin: germline. Inheritance: Autosomal recessive inheritance.
Comment: The NM_000419.5(ITGA2B):c.666C>A (p.Phe222Leu) missense variant has been reported in at least one homozygous patient (CC in PMID: 11798398) with this variant displayed mucocutaneous bleeding and impaired aggregation with all agonists except ristocetin, which is highly specific for Glanzmann thrombasthenia (PP4_moderate; PM3_supporting). The highest population minor allele frequency in gnomAD v4.1 is 8.474e-7 (1/1180026 alleles) in the European (non-Finnish) genetic ancestry group, which is lower than the ClinGen PD VCEP threshold (<0.0001; PM2_Supporting). In summary, this variant meets the criteria to be classified as uncertain significance for autosomal recessive Glanzmann Thrombasthenia based on the ACMG/AMP criteria applied, as specified by the ClinGen PD VCEP: PM2_supporting, PM3_supporting, PP4_moderate.